The following is an entry in ClinVar:

NM_001367549.1(ATP13A3):c.808G>A (p.Val270Ile)

Gene: ATP13A3 (ATPase 13A3; minus strand). Cytogenetic location: 3q29.
Variant type: single nucleotide variant.
Coding change: c.808G>A on transcript NM_001367549.1 (MANE Select); coding-DNA position 808, G replaced by A.
Protein change: p.Val270Ile; replaces valine 270 with isoleucine.
Molecular consequence: missense variant. On other transcripts: non-coding transcript variant (2).
Genome position (GRCh38, 1-based): chr3:194,453,736, C>T on the plus strand (G>A on the coding strand, the complement: ATP13A3 is on the minus strand). VCF-style: chr3-194453736-C-T. GRCh37 (hg19) VCF-style: chr3-194174465-C-T.
Other names: c.727G>A, p.Val243Ile (NM_001374836.1); c.808G>A, p.Val270Ile (NM_024524.4); short protein forms V270I, V243I.
Identifiers: ClinVar variation 1446861 (VCV001446861.6), dbSNP rs370845183, ClinGen allele CA2762143.

ClinVar aggregate classification (germline): Uncertain significance (1 of 4 stars; one submission).

Allele frequency attached by ClinVar (database versions not stated): ExAC 0.00001; gnomAD exomes 0.00001; gnomAD 0.00002; ESP Exome Variant Server 0.00008.
gnomAD v4.1: 33 of 1,613,322 alleles (0.002%); highest among the groups gnomAD compares: African/African-American, 0.0027%; no homozygotes.

Submission:

Labcorp Genetics (formerly Invitae), Labcorp
Classification: Uncertain significance. Last evaluated: 2024-07-13. Review status: criteria provided, single submitter. Criteria: Invitae Variant Classification Sherloc (09022015). Collection method: clinical testing. Allele origin: germline.
Comment: This sequence change replaces valine, which is neutral and non-polar, with isoleucine, which is neutral and non-polar, at codon 270 of the ATP13A3 protein (p.Val270Ile). This variant is present in population databases (rs370845183, gnomAD 0.006%). This variant has not been reported in the literature in individuals affected with ATP13A3-related conditions. ClinVar contains an entry for this variant (Variation ID: 1446861). Advanced modeling of protein sequence and biophysical properties (such as structural, functional, and spatial information, amino acid conservation, physicochemical variation, residue mobility, and thermodynamic stability) performed at Invitae indicates that this missense variant is not expected to disrupt ATP13A3 protein function with a negative predictive value of 80%. In summary, the available evidence is currently insufficient to determine the role of this variant in disease. Therefore, it has been classified as a Variant of Uncertain Significance.